The following is an entry in ClinVar:

NM_000535.7(PMS2):c.1691T>C (p.Val564Ala)

Gene: PMS2 (PMS1 homolog 2, mismatch repair system component; minus strand). Cytogenetic location: 7p22.1.
Variant type: single nucleotide variant.
Coding change: c.1691T>C on transcript NM_000535.7 (MANE Select); coding-DNA position 1691, T replaced by C.
Protein change: p.Val564Ala; replaces valine 564 with alanine.
Molecular consequence: missense variant. On other transcripts: non-coding transcript variant (1), intron variant (1).
Genome position (GRCh38, 1-based): chr7:5,987,074, A>G on the plus strand (T>C on the coding strand, the complement: PMS2 is on the minus strand). VCF-style: chr7-5987074-A-G. GRCh37 (hg19) VCF-style: chr7-6026705-A-G.
Other names: c.1286T>C, p.Val429Ala (NM_001322003.2, NM_001322004.2, NM_001322005.2 and 16 more transcripts); c.1535T>C, p.Val512Ala (NM_001322006.2, NM_001406870.1); c.1373T>C, p.Val458Ala (NM_001322007.2, NM_001322008.2, NM_001406876.1 and 2 more transcripts); c.1130T>C, p.Val377Ala (NM_001322010.2, NM_001406906.1, NM_001406907.1); c.758T>C, p.Val253Ala (NM_001322011.2, NM_001322012.2); c.1493T>C, p.Val498Ala (NM_001406873.1); c.1523T>C, p.Val508Ala (NM_001406874.1); c.1382T>C, p.Val461Ala (NM_001406875.1, NM_001406877.1, NM_001406878.1 and 5 more transcripts); and 13 more; short protein forms V253A, V307A, V373A, V377A, V393A, V406A, V409A, V429A.
Identifiers: ClinVar variation 4862090 (VCV004862090.1).

ClinVar aggregate classification (germline): Uncertain significance (1 of 4 stars; one submission).

Conditions:
Hereditary cancer-predisposing syndrome. Also called: Neoplastic Syndromes, Hereditary; Tumor predisposition; Hereditary Cancer Syndrome; Hereditary neoplastic syndrome. Identifiers: Orphanet 140162, MedGen C0027672, MeSH D009386, MONDO:0015356.

Submission:

Ambry Genetics
Classification: Uncertain significance for Hereditary cancer-predisposing syndrome. Last evaluated: 2026-03-23. Review status: criteria provided, single submitter. Criteria: Ambry Variant Classification Scheme 2023. Collection method: clinical testing. Allele origin: germline.
Comment: The p.V564A variant (also known as c.1691T>C), located in coding exon 11 of the PMS2 gene, results from a T to C substitution at nucleotide position 1691. The valine at codon 564 is replaced by alanine, an amino acid with similar properties. This amino acid position is conserved. In addition, this alteration is predicted to be tolerated by in silico analysis. Based on the available evidence, the clinical significance of this variant remains unclear.